The following is an entry in ClinVar:

ClinVar aggregate classification (germline): Uncertain significance (1 of 4 stars; one submission).

Submission:

ARUP Laboratories, Molecular Genetics and Genomics, ARUP Laboratories
Classification: Uncertain significance. Last evaluated: 2017-10-13. Review status: criteria provided, single submitter. Criteria: ARUP Molecular Germline Variant Investigation Process. Collection method: clinical testing. Allele origin: germline.
Comment: The p.Asp476Tyr variant has not been reported in the medical literature, is not listed in gene-specific variant databases, nor has it been previously identified in our laboratory. It is also absent from general population databases such as 1000 Genomes, the NHLBI GO Exome Sequencing Project (ESP), and the Genome Aggregation Database (gnomAD) browser. The aspartic acid at codon 476 is highly conserved considering 12 species up to C. elegans (Alamut software v2.10.0), and computational analyses suggest that this variant affects the structure/function of the EYA4 protein (SIFT: damaging, PolyPhen2: probably damaging, MutationTaster: disease causing). However, based on the available information, the clinical significance of the p.Asp476Tyr variant cannot be determined with certainty.

NM_004100.5(EYA4):c.1426G>T (p.Asp476Tyr)

Genes: EYA4 (EYA transcriptional coactivator and phosphatase 4; plus strand), TARID (TCF21 antisense RNA inducing promoter demethylation; minus strand). Cytogenetic location: 6q23.2.
Variant type: single nucleotide variant.
Coding change: c.1426G>T on transcript NM_004100.5 (MANE Select); coding-DNA position 1426, G replaced by T.
Protein change: p.Asp476Tyr; replaces aspartic acid 476 with tyrosine.
Molecular consequence: missense variant.
Genome position (GRCh38, 1-based): chr6:133,512,963, G>T. VCF-style: chr6-133512963-G-T. GRCh37 (hg19) VCF-style: chr6-133834101-G-T.
Other names: c.1264G>T, p.Asp422Tyr (NM_001301012.2); c.1444G>T, p.Asp482Tyr (NM_001301013.2); c.1357G>T, p.Asp453Tyr (NM_001370458.1, NM_172103.4); c.1282G>T, p.Asp428Tyr (NM_001370459.1); c.1426G>T, p.Asp476Tyr (NM_172105.4); short protein forms D476Y, D428Y, D453Y, D482Y, D422Y.
Identifiers: ClinVar variation 618632 (VCV000618632.8), dbSNP rs1562505886, ClinGen allele CA365715277.